The following is an entry in ClinVar:

NM_001104631.2(PDE4D):c.176C>T (p.Pro59Leu)

Gene: PDE4D (phosphodiesterase 4D; minus strand). Cytogenetic location: 5q12.1.
Variant type: single nucleotide variant.
Coding change: c.176C>T on transcript NM_001104631.2 (MANE Select); coding-DNA position 176, C replaced by T.
Protein change: p.Pro59Leu; replaces proline 59 with leucine.
Molecular consequence: missense variant. On other transcripts: intron variant (5).
Genome position (GRCh38, 1-based): chr5:59,893,447, G>A on the plus strand (C>T on the coding strand, the complement: PDE4D is on the minus strand). VCF-style: chr5-59893447-G-A. GRCh37 (hg19) VCF-style: chr5-59189274-G-A.
Other names: c.272+95041C>T (NM_001364599.1, NM_001165899.2, NM_001364600.2); c.-240+95041C>T (NM_001349243.2); c.242+95041C>T (NM_001349241.2); short protein forms P59L.
Identifiers: ClinVar variation 2417493 (VCV002417493.43), dbSNP rs933916686, ClinGen allele CA119327212.

ClinVar aggregate classification (germline): Uncertain significance (1 of 4 stars; one submission).

Allele frequency attached by ClinVar (database versions not stated): gnomAD 0.00001; TOPMed 0.00002.
gnomAD v4.1: 7 of 1,515,240 alleles (0.00046%); highest among the groups gnomAD compares: Non-Finnish European, 0.00053%; no homozygotes.

Submission:

Labcorp Genetics (formerly Invitae), Labcorp
Classification: Uncertain significance. Last evaluated: 2025-05-08. Review status: criteria provided, single submitter. Criteria: Invitae Variant Classification Sherloc (09022015). Collection method: clinical testing. Allele origin: germline.
Comment: This sequence change replaces proline, which is neutral and non-polar, with leucine, which is neutral and non-polar, at codon 59 of the PDE4D protein (p.Pro59Leu). This variant is not present in population databases (gnomAD no frequency). This variant has not been reported in the literature in individuals affected with PDE4D-related conditions. ClinVar contains an entry for this variant (Variation ID: 2417493). An algorithm developed to predict the effect of missense changes on protein structure and function (PolyPhen-2) suggests that this variant is likely to be tolerated. In summary, the available evidence is currently insufficient to determine the role of this variant in disease. Therefore, it has been classified as a Variant of Uncertain Significance.